The following is an entry in ClinVar:

NM_001363711.2(DUOX2):c.1186T>C (p.Ser396Pro)

Gene: DUOX2 (dual oxidase 2; minus strand). Cytogenetic location: 15q21.1.
Variant type: single nucleotide variant.
Coding change: c.1186T>C on transcript NM_001363711.2 (MANE Select); coding-DNA position 1186, T replaced by C.
Protein change: p.Ser396Pro; replaces serine 396 with proline.
Molecular consequence: missense variant.
Genome position (GRCh38, 1-based): chr15:45,109,572, A>G on the plus strand (T>C on the coding strand, the complement: DUOX2 is on the minus strand). VCF-style: chr15-45109572-A-G. GRCh37 (hg19) VCF-style: chr15-45401770-A-G.
Other names: c.1186T>C, p.Ser396Pro (NM_014080.5); short protein forms S396P.
Identifiers: ClinVar variation 2974103 (VCV002974103.2), dbSNP rs769385031, ClinGen allele CA7538704.

ClinVar aggregate classification (germline): Uncertain significance (1 of 4 stars; one submission).

Allele frequency attached by ClinVar (database versions not stated): gnomAD 0.00001; ExAC 0.00002; gnomAD exomes 0.00001; TOPMed 0.00001.
gnomAD v4.1: 23 of 1,613,964 alleles (0.0014%); highest among the groups gnomAD compares: Non-Finnish European, 0.0016%; no homozygotes.

Submission:

Labcorp Genetics (formerly Invitae), Labcorp
Classification: Uncertain significance. Last evaluated: 2025-12-29. Review status: criteria provided, single submitter. Criteria: Invitae Variant Classification Sherloc (09022015). Collection method: clinical testing. Allele origin: germline.
Comment: This sequence change replaces serine, which is neutral and polar, with proline, which is neutral and non-polar, at codon 396 of the DUOX2 protein (p.Ser396Pro). This variant is present in population databases (rs769385031, gnomAD 0.002%). This variant has not been reported in the literature in individuals affected with DUOX2-related conditions. ClinVar contains an entry for this variant (Variation ID: 2974103). Invitae Evidence Modeling of protein sequence and biophysical properties (such as structural, functional, and spatial information, amino acid conservation, physicochemical variation, residue mobility, and thermodynamic stability) indicates that this missense variant is expected to disrupt DUOX2 protein function with a positive predictive value of 80%. In summary, the available evidence is currently insufficient to determine the role of this variant in disease. Therefore, it has been classified as a Variant of Uncertain Significance.